The following is an entry in ClinVar:

ClinVar aggregate classification (germline): Uncertain significance (1 of 4 stars; one submission).

Allele frequency attached by ClinVar (database versions not stated): TOPMed below 0.00001; gnomAD exomes 0.00001.

Submission:

Labcorp Genetics (formerly Invitae), Labcorp
Classification: Uncertain significance. Last evaluated: 2023-04-18. Review status: criteria provided, single submitter. Criteria: Invitae Variant Classification Sherloc (09022015). Collection method: clinical testing. Allele origin: germline.
Comment: In summary, the available evidence is currently insufficient to determine the role of this variant in disease. Therefore, it has been classified as a Variant of Uncertain Significance. Experimental studies and prediction algorithms are not available or were not evaluated, and the functional significance of this variant is currently unknown. This variant has not been reported in the literature in individuals affected with CARD8-related conditions. This variant is present in population databases (no rsID available, gnomAD 0.003%). This sequence change creates a premature translational stop signal (p.Glu442*) in the CARD8 gene. While this is not anticipated to result in nonsense mediated decay, it is expected to disrupt the last 46 amino acid(s) of the CARD8 protein.

NM_001184900.3(CARD8):c.1474G>T (p.Glu492Ter)

Gene: CARD8 (caspase recruitment domain family member 8; minus strand). Cytogenetic location: 19q13.33.
Variant type: single nucleotide variant.
Coding change: c.1474G>T on transcript NM_001184900.3 (MANE Select); coding-DNA position 1474, G replaced by T.
Protein change: p.Glu492Ter; replaces glutamic acid 492 with a stop codon.
Molecular consequence: nonsense. On other transcripts: 3 prime UTR variant (7), non-coding transcript variant (3), intron variant (1).
Genome position (GRCh38, 1-based): chr19:48,211,850, C>A on the plus strand (G>T on the coding strand, the complement: CARD8 is on the minus strand). VCF-style: chr19-48211850-C-A. GRCh37 (hg19) VCF-style: chr19-48715107-C-A.
Other names: c.1324G>T, p.Glu442Ter (NM_001184901.1, NM_001351783.2, NM_014959.5); c.*153G>T (NM_001184902.2, NM_001184903.1, NM_001351788.2 and 4 more transcripts); c.1474G>T, p.Glu492Ter (NM_001351782.2); c.1159G>T, p.Glu387Ter (NM_001351784.2); c.1138G>T, p.Glu380Ter (NM_001351786.2); c.1156G>T, p.Glu386Ter (NM_001365950.1); c.649G>T, p.Glu217Ter (NM_001426741.1); c.1033+3490G>T (NM_001351787.2); short protein forms E386*, E387*, E442*, E492*, E217*, E380*.
Identifiers: ClinVar variation 2870042 (VCV002870042.3), dbSNP rs1345381617, ClinGen allele CA406663202.